The following is an entry in ClinVar:

NM_000143.4(FH):c.81delinsAT (p.Leu28fs)

Gene: FH (fumarate hydratase; minus strand). Cytogenetic location: 1q43.
Variant type: Indel.
Coding change: c.81delinsAT on transcript NM_000143.4 (MANE Select); coding-DNA position 81, C replaced by AT.
Protein change: p.Leu28fs; shifts the reading frame from leucine 28.
Molecular consequence: frameshift variant.
Genome position (GRCh38, 1-based): chr1:241,519,642, G replaced by AT on the plus strand (C replaced by AT on the coding strand, the reverse complement: FH is on the minus strand). VCF-style: chr1-241519642-G-AT. GRCh37 (hg19) VCF-style: chr1-241682942-G-AT.
Other names: c.81delCinsAT (NM_000143.3); short protein forms L28fs.
Identifiers: ClinVar variation 503949 (VCV000503949.1), dbSNP rs1553342155, ClinGen allele CA658795650.

ClinVar aggregate classification (germline): Likely pathogenic (1 of 4 stars; one submission).

Submission:

GeneDx
Classification: Likely pathogenic. Last evaluated: 2017-12-15. Review status: criteria provided, single submitter. Criteria: GeneDx Variant Classification (06012015). Collection method: clinical testing. Allele origin: germline. Affected: yes.
Comment: The c.81delCinsAT variant has not been published as a pathogenic variant, nor has it been reported as a benign variant to our knowledge. The c.81delCinsAT variant is not observed in large population cohorts (Lek et al., 2016). The c.81delCinsAT variant causes a frameshift starting with codon Leucine 28, changes this amino acid to a Phenylalanine residue and creates a premature Stop codon at position 28 of the new reading frame, denoted p.Leu28PhefsX28. This variant is predicted to cause loss of normal protein function either through protein truncation or nonsense-mediated mRNA decay. In summary, we interpret this variant as likely pathogenic.